The following is an entry in ClinVar:

NM_000053.4(ATP7B):c.682C>T (p.Gln228Ter)

Gene: ATP7B (ATPase copper transporting beta; minus strand). Cytogenetic location: 13q14.3.
Variant type: single nucleotide variant.
Coding change: c.682C>T on transcript NM_000053.4 (MANE Select); coding-DNA position 682, C replaced by T.
Protein change: p.Gln228Ter; replaces glutamine 228 with a stop codon.
Molecular consequence: nonsense.
Genome position (GRCh38, 1-based): chr13:51,974,538, G>A on the plus strand (C>T on the coding strand, the complement: ATP7B is on the minus strand). VCF-style: chr13-51974538-G-A. GRCh37 (hg19) VCF-style: chr13-52548674-G-A.
Other names: c.682C>T, p.Gln228Ter (NM_001005918.3, NM_001243182.2, NM_001330578.2 and 30 more transcripts); c.586C>T, p.Gln196Ter (NM_001406530.1, NM_001406543.1, NM_001406544.1 and 4 more transcripts); short protein forms Q196*, Q228*.
Identifiers: ClinVar variation 4063517 (VCV004063517.3).

ClinVar aggregate classification (germline): Pathogenic/Likely pathogenic. Review status: criteria provided, multiple submitters, no conflicts (2 of 4 stars). 2 submissions from 2 submitters: Pathogenic (1); Likely pathogenic (1). Last evaluated 2025-09-10.

Conditions:
Wilson disease (WND). Also called: Wilson's disease. Identifiers: Orphanet 905, MedGen C0019202, MONDO:0010200, OMIM 277900. Disease mechanism: loss of function.

Submissions (2):

Color Diagnostics, LLC DBA Color Health
Classification: Pathogenic for Wilson disease. Last evaluated: 2025-09-10. Review status: criteria provided, single submitter. Criteria: ACMG Guidelines, 2015. Collection method: clinical testing. Allele origin: germline.
Comment: This variant changes 1 nucleotide in exon 2 of the ATP7B gene, creating a premature translation stop signal. This variant is expected to result in an absent or non-functional protein product. To our knowledge, this variant has not been reported in individuals affected with ATP7B-related disorders in the literature. This variant has not been identified in the general population by the Genome Aggregation Database (gnomAD). Loss of ATP7B function is a known mechanism of disease. Based on the available evidence, this variant is classified as Pathogenic.

Natera, Inc.
Classification: Likely pathogenic for Wilson disease. Last evaluated: 2025-05-07. Review status: criteria provided, single submitter. Criteria: Natera Variant Classification Schema (03/2026). Collection method: clinical testing. Allele origin: germline.
Comment: The c.682C>T variant in ATP7B is a nonsense variant predicted to introduce a stop codon at amino acid 228. This variant is expected to result in nonsense mediated decay, truncation, or a dysfunctional protein product. This variant is rare in the general population with a frequency below the threshold expected for the associated phenotype(s). Given the available evidence, this variant is classified as Likely Pathogenic.